The following is an entry in ClinVar:

ClinVar aggregate classification (germline): Pathogenic. Review status: reviewed by expert panel (3 of 4 stars). 3 submissions from 3 submitters: Pathogenic (1). 2 of the submissions do not count toward it. Last evaluated 2017-12-15.

Conditions:
Hereditary cancer-predisposing syndrome. Also called: Hereditary Cancer Syndrome; Neoplastic Syndromes, Hereditary; Tumor predisposition; Hereditary neoplastic syndrome. Identifiers: Orphanet 140162, MedGen C0027672, MeSH D009386, MONDO:0015356.
Breast-ovarian cancer, familial, susceptibility to, 2 (BROVCA2). Also called: BRCA2 Hereditary Breast and Ovarian Cancer. Identifiers: Orphanet 145, MedGen C2675520, MONDO:0012933, OMIM 612555. Disease mechanism: loss of function.
Hereditary breast ovarian cancer syndrome. Also called: Hereditary breast and/or ovarian cancer syndrome; BRCA1- and BRCA2-Associated Hereditary Breast and Ovarian Cancer; Hereditary breast and ovarian cancer syndrome (HBOC); Hereditary breast and ovarian cancer; Hereditary breast and ovarian cancer syndrome; Breast and ovarian cancer. Identifiers: Orphanet 145, MedGen C0677776, MeSH D061325, MONDO:0003582. Disease mechanism: loss of function.

Submissions (3):

Evidence-based Network for the Interpretation of Germline Mutant Alleles (ENIGMA)
Classification: Pathogenic for Breast-ovarian cancer, familial, susceptibility to, 2. Last evaluated: 2017-12-15. Review status: reviewed by expert panel. Criteria: ENIGMA BRCA1/2 Classification Criteria (2017-06-29). Collection method: curation. Allele origin: germline. Study: ENIGMA.
Comment: Variant allele predicted to encode a truncated non-functional protein.

Labcorp Genetics (formerly Invitae), Labcorp
Classification: Pathogenic for Hereditary breast ovarian cancer syndrome. Last evaluated: 2021-01-14. Review status: criteria provided, single submitter. Criteria: Invitae Variant Classification Sherloc (09022015). Collection method: clinical testing. Allele origin: germline. Not counted in ClinVar's aggregate classification.
Comment: This sequence change creates a premature translational stop signal (p.Ala2786Leufs*35) in the BRCA2 gene. It is expected to result in an absent or disrupted protein product. Loss-of-function variants in BRCA2 are known to be pathogenic (PMID: 20104584). This variant is not present in population databases (ExAC no frequency). This variant has not been reported in the literature in individuals with BRCA2-related conditions. ClinVar contains an entry for this variant (Variation ID: 232875). For these reasons, this variant has been classified as Pathogenic.

Ambry Genetics
Classification: Pathogenic for Hereditary cancer-predisposing syndrome. Last evaluated: 2015-07-08. Review status: criteria provided, single submitter. Criteria: Ambry Variant Classification Scheme 2023. Collection method: clinical testing. Allele origin: germline. Not counted in ClinVar's aggregate classification.
Comment: The c.8356delG pathogenic mutation (also known as 8584delG), located in coding exon 18 of the BRCA2 gene, results from a deletion of one nucleotide at nucleotide position 8356, causing a translational frameshift with a predicted alternate stop codon within coding exon 18. Since frameshifts are typically deleterious in nature, this alteration is interpreted as a disease-causing mutation (ACMG Recommendations for Standards for Interpretation and Reporting of Sequence Variations. Revision 2007. Genet Med. 2008;10:294).

Literature cited by the submitters: PubMed 20104584 (cited by Labcorp Genetics (formerly Invitae), Labcorp).

NM_000059.4(BRCA2):c.8356del (p.Ala2786fs)

Gene: BRCA2 (BRCA2 DNA repair associated; plus strand). Cytogenetic location: 13q13.1.
Variant type: Deletion.
Coding change: c.8356del on transcript NM_000059.4 (MANE Select); coding-DNA position 8356, one base deleted (G; older notation c.8356delG).
Protein change: p.Ala2786fs; shifts the reading frame from alanine 2786.
Molecular consequence: frameshift variant.
Genome position (GRCh38, 1-based): chr13:32,370,426, G deleted. VCF-style (leftmost placement, unchanged base first): chr13-32370425-TG-T. GRCh37 (hg19) VCF-style: chr13-32944562-TG-T.
Other names: c.8356delG (NM_000059.3); short protein forms A2786fs.
Identifiers: ClinVar variation 232875 (VCV000232875.11), dbSNP rs876660043, ClinGen allele CA10579781.